The following is an entry in ClinVar:

ClinVar aggregate classification (germline): Likely pathogenic (1 of 4 stars; one submission).

Submission:

CeGaT Center for Human Genetics Tuebingen
Classification: Likely pathogenic. Last evaluated: 2026-09-01. Review status: criteria provided, single submitter. Criteria: CeGaT Center For Human Genetics Tuebingen Variant Classification Criteria Version 2. Collection method: clinical testing. Allele origin: germline. Affected: yes. Observed: 1 variant allele.
Comment: TGM6: PVS1:Strong, PM2

NM_198994.3(TGM6):c.468C>A (p.Tyr156Ter)

Gene: TGM6 (transglutaminase 6; plus strand). Cytogenetic location: 20p13.
Variant type: single nucleotide variant.
Coding change: c.468C>A on transcript NM_198994.3 (MANE Select); coding-DNA position 468, C replaced by A.
Protein change: p.Tyr156Ter; replaces tyrosine 156 with a stop codon.
Molecular consequence: nonsense.
Genome position (GRCh38, 1-based): chr20:2,396,549, C>A. VCF-style: chr20-2396549-C-A. GRCh37 (hg19) VCF-style: chr20-2377195-C-A.
Other names: c.468C>A, p.Tyr156Ter (NM_001254734.2); short protein forms Y156*.
Identifiers: ClinVar variation 5041663 (VCV005041663.1).